The following is an entry in ClinVar:

ClinVar aggregate classification (germline): Conflicting classifications of pathogenicity. Review status: criteria provided, conflicting classifications (1 of 4 stars). 2 submissions from 2 submitters: Uncertain significance (1); Likely benign (1). Last evaluated 2025-04-23.

Conditions:
Intellectual developmental disorder, autosomal dominant 1. Also called: MBD5 Haploinsufficiency; Intellectual disability, autosomal dominant 1. Identifiers: Orphanet 228402, MedGen C1969562, MONDO:0007974, OMIM 156200.

Allele frequency attached by ClinVar (database versions not stated): gnomAD exomes below 0.00001; gnomAD 0.00001.
gnomAD v4.1: 5 of 1,613,946 alleles (0.00031%); highest among the groups gnomAD compares: South Asian, 0.0033%; no homozygotes.

Submissions (2):

Labcorp Genetics (formerly Invitae), Labcorp
Classification: Uncertain significance for Intellectual developmental disorder, autosomal dominant 1. Last evaluated: 2025-04-23. Review status: criteria provided, single submitter. Criteria: Invitae Variant Classification Sherloc (09022015). Collection method: clinical testing. Allele origin: germline.
Comment: This sequence change replaces glycine, which is neutral and non-polar, with glutamic acid, which is acidic and polar, at codon 997 of the MBD5 protein (p.Gly997Glu). This variant is present in population databases (no rsID available, gnomAD 0.007%). This variant has not been reported in the literature in individuals affected with MBD5-related conditions. ClinVar contains an entry for this variant (Variation ID: 1191672). Invitae Evidence Modeling of protein sequence and biophysical properties (such as structural, functional, and spatial information, amino acid conservation, physicochemical variation, residue mobility, and thermodynamic stability) indicates that this missense variant is not expected to disrupt MBD5 protein function with a negative predictive value of 80%. In summary, the available evidence is currently insufficient to determine the role of this variant in disease. Therefore, it has been classified as a Variant of Uncertain Significance.

GeneDx
Classification: Likely benign. Last evaluated: 2019-11-07. Review status: criteria provided, single submitter. Criteria: GeneDx Variant Classification Process June 2021. Collection method: clinical testing. Allele origin: germline. Affected: yes.
Comment: Missense variant in a gene in which most reported pathogenic variants are truncating/loss-of-function; In silico analysis, which includes protein predictors and evolutionary conservation, supports that this variant does not alter protein structure/function; Has not been previously published as pathogenic or benign to our knowledge

NM_001378120.1(MBD5):c.3689G>A (p.Gly1230Glu)

Gene: MBD5 (methyl-CpG binding domain protein 5; plus strand). Cytogenetic location: 2q23.1.
Variant type: single nucleotide variant.
Coding change: c.3689G>A on transcript NM_001378120.1 (MANE Select); coding-DNA position 3689, G replaced by A.
Protein change: p.Gly1230Glu; replaces glycine 1230 with glutamic acid.
Molecular consequence: missense variant.
Genome position (GRCh38, 1-based): chr2:148,485,886, G>A. VCF-style: chr2-148485886-G-A. GRCh37 (hg19) VCF-style: chr2-149243455-G-A.
Other names: c.2990G>A, p.Gly997Glu (NM_018328.5); short protein forms G1230E, G997E.
Identifiers: ClinVar variation 1191672 (VCV001191672.5), dbSNP rs1429887811, ClinGen allele CA348724660.